The following is an entry in ClinVar:

NM_001873.4(CPE):c.529G>T (p.Val177Leu)

Gene: CPE (carboxypeptidase E; plus strand). Cytogenetic location: 4q32.3.
Variant type: single nucleotide variant.
Coding change: c.529G>T on transcript NM_001873.4 (MANE Select); coding-DNA position 529, G replaced by T.
Protein change: p.Val177Leu; replaces valine 177 with leucine.
Molecular consequence: missense variant.
Genome position (GRCh38, 1-based): chr4:165,467,712, G>T. VCF-style: chr4-165467712-G-T. GRCh37 (hg19) VCF-style: chr4-166388864-G-T.
Other names: short protein forms V177L.
Identifiers: ClinVar variation 3347885 (VCV003347885.1).
Genomic context (GRCh38, chr4:165,467,712, plus strand): 5'-ACTAATGATTTTTCTCTTTGACTTTTTTTTTTTTAGCCTGGTGAACTCAAGGACTGGTTT[G>T]TGGGTCGAAGCAATGCCCAGGGAATAGATCTGAACCGGAACTTTCCAGACCTGGATAGGA-3'
Protein context (NP_001864.1, residues 167-187): SQPGELKDWF[Val177Leu]GRSNAQGIDL

ClinVar aggregate classification (germline): Uncertain significance (0 of 4 stars; one submission).

Conditions:
CPE-related disorder. Also called: CPE-related condition.

gnomAD v4.1: 1 of 1,607,364 alleles (0.000062%); highest among the groups gnomAD compares: Admixed American, 0.0017%; no homozygotes.

Submission:

PreventionGenetics, part of Exact Sciences
Classification: Uncertain significance for CPE-related condition. Last evaluated: 2024-05-15. Review status: no assertion criteria provided. Collection method: clinical testing. Allele origin: germline.
Comment: The CPE c.529G>T variant is predicted to result in the amino acid substitution p.Val177Leu. To our knowledge, this variant has not been reported in the literature. This variant is reported in 0.0030% of alleles in individuals of Latino descent in gnomAD. At this time, the clinical significance of this variant is uncertain due to the absence of conclusive functional and genetic evidence.